The following is an entry in ClinVar:

NM_000540.3(RYR1):c.9571G>A (p.Gly3191Arg)

Gene: RYR1 (ryanodine receptor 1; plus strand). Cytogenetic location: 19q13.2.
Variant type: single nucleotide variant.
Coding change: c.9571G>A on transcript NM_000540.3 (MANE Select); coding-DNA position 9571, G replaced by A.
Protein change: p.Gly3191Arg; replaces glycine 3191 with arginine.
Molecular consequence: missense variant.
Genome position (GRCh38, 1-based): chr19:38,516,103, G>A. VCF-style: chr19-38516103-G-A. GRCh37 (hg19) VCF-style: chr19-39006743-G-A.
Other names: c.9571G>A, p.Gly3191Arg (NM_001042723.2); short protein forms G3191R.
Identifiers: ClinVar variation 436627 (VCV000436627.25), dbSNP rs756331568, ClinGen allele CA073816.

ClinVar aggregate classification (germline): Conflicting classifications of pathogenicity. Review status: criteria provided, conflicting classifications (1 of 4 stars). 9 submissions from 9 submitters: Pathogenic (2); Likely pathogenic (2); Uncertain significance (4). 1 of the submissions does not count toward it. Last evaluated 2026-03-02.

Conditions:
RYR1-related myopathy. Identifiers: Orphanet 98742, MedGen CN305348, MONDO:0100150.
RYR1-related disorder. Also called: RYR1-related condition; RYR1-related disorders. Identifiers: MedGen CN239331.
Central core myopathy (CMYO1A). Also called: Central core disease; Myopathy, central fibrillar; CONGENITAL MYOPATHY 1A, AUTOSOMAL DOMINANT, WITH SUSCEPTIBILITY TO MALIGNANT HYPERTHERMIA. Identifiers: Orphanet 597, MedGen C5830701, MONDO:0007294, OMIM 117000.
Malignant hyperthermia, susceptibility to, 1 (MHS1). Also called: Malignant hyperthermia suceptibility 1; Anesthesia related hyperthermia; Malignant hyperpyrexia; Fulminating hyperpyrexia; Pharmacogenic myopathy; RYR1-Related Malignant Hyperthermia Susceptibility. Identifiers: Orphanet 423, MedGen C2930980, MONDO:0007783, OMIM 145600.
Congenital multicore myopathy with external ophthalmoplegia (CMYO1B). Also called: Congenital myopathy 1B, autosomal recessive; Minicore myopathy; MULTIMINICORE DISEASE WITH EXTERNAL OPHTHALMOPLEGIA; MULTICORE MYOPATHY; Minicore myopathy with external ophthalmoplegia. Identifiers: Orphanet 598, Orphanet 98905, MedGen C1850674, MONDO:0009712, OMIM 255320, HP:0003789.

Allele frequency attached by ClinVar (database versions not stated): gnomAD 0.00001; TOPMed 0.00001; ExAC 0.00006.
gnomAD v4.1: 24 of 1,549,190 alleles (0.0015%); highest among the groups gnomAD compares: South Asian, 0.011%; no homozygotes.

Submissions (9):

GeneDx
Classification: Pathogenic. Last evaluated: 2026-03-02. Review status: criteria provided, single submitter. Criteria: GeneDx Variant Classification Process June 2021. Collection method: clinical testing. Allele origin: germline.
Comment: Not observed at significant frequency in large population cohorts (gnomAD); In silico analysis supports that this missense variant has a deleterious effect on protein structure/function; This variant is associated with the following publications: (PMID: 35693006, 12668474)

Labcorp Genetics (formerly Invitae), Labcorp
Classification: Pathogenic for RYR1-related disorder. Last evaluated: 2025-07-29. Review status: criteria provided, single submitter. Criteria: Invitae Variant Classification Sherloc (09022015). Collection method: clinical testing. Allele origin: germline.
Comment: This sequence change replaces glycine, which is neutral and non-polar, with arginine, which is basic and polar, at codon 3191 of the RYR1 protein (p.Gly3191Arg). This variant is present in population databases (rs756331568, gnomAD 0.004%). This missense change has been observed in individual(s) with clinical features of autosomal recessive RYR1-related conditions (PMID: 35693006; internal data). In at least one individual the data is consistent with being in trans (on the opposite chromosome) from a pathogenic variant. ClinVar contains an entry for this variant (Variation ID: 436627). Invitae Evidence Modeling of protein sequence and biophysical properties (such as structural, functional, and spatial information, amino acid conservation, physicochemical variation, residue mobility, and thermodynamic stability) indicates that this missense variant is expected to disrupt RYR1 protein function with a positive predictive value of 80%. For these reasons, this variant has been classified as Pathogenic.

Women's Health and Genetics/Laboratory Corporation of America, LabCorp
Classification: Likely pathogenic for Congenital multicore myopathy with external ophthalmoplegia. Last evaluated: 2025-02-27. Review status: criteria provided, single submitter. Criteria: LabCorp Variant Classification Summary - May 2015. Collection method: clinical testing. Allele origin: germline.
Comment: Variant summary: RYR1 c.9571G>A (p.Gly3191Arg) results in a non-conservative amino acid change in the encoded protein sequence. Five of five in-silico tools predict a damaging effect of the variant on protein function. The variant allele was found at a frequency of 6.5e-06 in 153276 control chromosomes. c.9571G>A has been reported in the literature in individuals affected with autosomal recessive RYR1-related conditions (e.g., Chang_FN_2022, Internal data). At-least one study has shown RyR1 residues 26443223 are critical for interacting with dihydropyridine receptor (DHPR) during excitation-contraction (EC) coupling (example: Perez_2003). These data indicate that the variant may be associated with disease. The following publications have been ascertained in the context of this evaluation (PMID: 35693006, 12668474). ClinVar contains an entry for this variant (Variation ID: 436627). Based on the evidence outlined above, the variant was classified as likely pathogenic.

Genomic Medicine Center of Excellence, King Faisal Specialist Hospital and Research Centre
Classification: Uncertain significance for Central core myopathy. Last evaluated: 2024-04-04. Review status: criteria provided, single submitter. Criteria: ACMG Guidelines, 2015. Collection method: clinical testing. Allele origin: germline.

Neuberg Centre For Genomic Medicine, NCGM
Classification: Uncertain significance for Congenital multicore myopathy with external ophthalmoplegia. Last evaluated: 2023-05-20. Review status: criteria provided, single submitter. Criteria: ACMG Guidelines, 2015. Collection method: clinical testing. Allele origin: germline. Inheritance: Autosomal recessive inheritance. Affected: yes.
Comment: The missense variant c.9571G>A(p.Gly3191Arg) in RYR1 gene has been reported individual affected with RYR1 related disorder (Chang X et. al., 2022). The observed variant has allele frequency of 0.0006% in gnomAD exomes database. This variant has been submitted to the ClinVar database as Likely benign / Uncertain Significance / Likely Pathogenic / Pathogenic. The amino acid change p.Gly3191Arg in RYR1 is predicted as conserved by GERP++ and PhyloP across 100 vertebrates. Multiple lines of computational evidence (Polyphen - probably damaging , SIFT - damaging and MutationTaster - disease causing) predict a damaging effect on protein structure and function for this variant. The amino acid Gly at position 3191 is changed to a Arg changing protein sequence and it might alter its composition and physico-chemical properties. However, functional studies will be required to confirm the pathogenicity of the variant. For these reasons, this variant has been classified as Uncertain Significance (VUS).

All of Us Research Program, National Institutes of Health
Classification: Uncertain significance for Malignant hyperthermia, susceptibility to, 1. Last evaluated: 2023-04-27. Review status: criteria provided, single submitter. Criteria: ACMG Guidelines, 2015. Collection method: clinical testing. Allele origin: germline. Inheritance: Autosomal dominant inheritance. Observed: 1 variant allele, 1 heterozygote.
Comment: This study involves interpretation of variants in research participants for the purpose of population health screening. Participant phenotype was not available at the time of variant classification. Additional details can be found in publication PMID: 35346344, PMCID: PMC8962531

Pediatric Department, Peking University First Hospital
Classification: Likely pathogenic for RYR1-related myopathy. Last evaluated: 2022-02-08. Review status: criteria provided, single submitter. Criteria: ACMG Guidelines, 2015. Collection method: provider interpretation. Allele origin: maternal. Affected: yes.

PreventionGenetics, part of Exact Sciences
Classification: Uncertain significance. Last evaluated: 2013-10-28. Review status: criteria provided, single submitter. Criteria: ACMG Guidelines, 2015. Collection method: clinical testing. Allele origin: germline.

Genetic Services Laboratory, University of Chicago
Classification: Likely benign. Last evaluated: 2016-07-15. Review status: flagged submission. Criteria: ACMG Guidelines, 2015. Collection method: clinical testing. Allele origin: germline. Affected: no. Not counted in ClinVar's aggregate classification.
ClinVar note: Reason: Older and outlier claim with insufficient supporting evidence

Literature cited by the submitters: PubMed 35693006 (cited by Labcorp Genetics (formerly Invitae), Labcorp and Women's Health and Genetics/Laboratory Corporation of America, LabCorp); PubMed 12668474 (cited by Women's Health and Genetics/Laboratory Corporation of America, LabCorp).